The following is an entry in ClinVar:

NM_000064.4(C3):c.4764C>T (p.Ile1588=)

Gene: C3 (complement C3; minus strand). Cytogenetic location: 19p13.3.
Variant type: single nucleotide variant.
Coding change: c.4764C>T on transcript NM_000064.4 (MANE Select); coding-DNA position 4764, C replaced by T.
Protein change: p.Ile1588=; no amino-acid change (isoleucine 1588 retained).
Molecular consequence: synonymous variant.
Genome position (GRCh38, 1-based): chr19:6,678,238, G>A on the plus strand (C>T on the coding strand, the complement: C3 is on the minus strand). VCF-style: chr19-6678238-G-A. GRCh37 (hg19) VCF-style: chr19-6678249-G-A.
Other names: p.Ile1588=.
Identifiers: ClinVar variation 1594141 (VCV001594141.9), dbSNP rs2145388816, ClinGen allele CA505192287.

ClinVar aggregate classification (germline): Likely benign. Review status: criteria provided, multiple submitters, no conflicts (2 of 4 stars). 2 submissions from 2 submitters: Likely benign (2). Last evaluated 2025-02-25.

gnomAD v4.1: 1 of 1,614,236 alleles (0.000062%); highest among the groups gnomAD compares: Admixed American, 0.0017%; no homozygotes.

Submissions (2):

Mayo Clinic Laboratories, Mayo Clinic
Classification: Likely benign. Last evaluated: 2025-02-25. Review status: criteria provided, single submitter. Criteria: ACMG Guidelines, 2015. Collection method: clinical testing. Allele origin: germline. Observed: 1 variant allele.
Comment: BP4, BP7

Labcorp Genetics (formerly Invitae), Labcorp
Classification: Likely benign. Last evaluated: 2023-09-05. Review status: criteria provided, single submitter. Criteria: Invitae Variant Classification Sherloc (09022015). Collection method: clinical testing. Allele origin: germline.